The following is an entry in ClinVar:

NM_004655.4(AXIN2):c.1465C>T (p.Pro489Ser)

Gene: AXIN2 (axin 2; minus strand). Cytogenetic location: 17q24.1.
Variant type: single nucleotide variant.
Coding change: c.1465C>T on transcript NM_004655.4 (MANE Select); coding-DNA position 1465, C replaced by T.
Protein change: p.Pro489Ser; replaces proline 489 with serine.
Molecular consequence: missense variant.
Genome position (GRCh38, 1-based): chr17:65,537,571, G>A on the plus strand (C>T on the coding strand, the complement: AXIN2 is on the minus strand). VCF-style: chr17-65537571-G-A. GRCh37 (hg19) VCF-style: chr17-63533689-G-A.
Other names: c.1465C>T, p.Pro489Ser (NM_001363813.1); short protein forms P489S.
Identifiers: ClinVar variation 2471135 (VCV002471135.6), dbSNP rs764728243, ClinGen allele CA8718641.

ClinVar aggregate classification (germline): Uncertain significance. Review status: criteria provided, multiple submitters, no conflicts (2 of 4 stars). 2 submissions from 2 submitters: Uncertain significance (2). Last evaluated 2025-07-03.

Conditions:
Hereditary cancer-predisposing syndrome. Also called: Neoplastic Syndromes, Hereditary; Hereditary neoplastic syndrome; Tumor predisposition; Hereditary Cancer Syndrome. Identifiers: Orphanet 140162, MedGen C0027672, MeSH D009386, MONDO:0015356.
Oligodontia-cancer predisposition syndrome. Also called: TOOTH AGENESIS-COLORECTAL CANCER SYNDROME. Identifiers: Orphanet 300576, MedGen C1837750, MONDO:0012075, OMIM 608615. Disease mechanism: loss of function.

Allele frequency attached by ClinVar (database versions not stated): gnomAD exomes below 0.00001; ExAC 0.00002.
gnomAD v4.1: 3 of 1,610,214 alleles (0.00019%); highest among the groups gnomAD compares: East Asian, 0.0022%; no homozygotes.

Submissions (2):

Ambry Genetics
Classification: Uncertain significance for Hereditary cancer-predisposing syndrome. Last evaluated: 2025-07-03. Review status: criteria provided, single submitter. Criteria: Ambry Variant Classification Scheme 2023. Collection method: clinical testing. Allele origin: germline.
Comment: The p.P489S variant (also known as c.1465C>T), located in coding exon 5 of the AXIN2 gene, results from a C to T substitution at nucleotide position 1465. The proline at codon 489 is replaced by serine, an amino acid with similar properties. This amino acid position is conserved. In addition, this alteration is predicted to be tolerated by in silico analysis. Based on the available evidence, the clinical significance of this variant remains unclear.

Labcorp Genetics (formerly Invitae), Labcorp
Classification: Uncertain significance for Oligodontia-cancer predisposition syndrome. Last evaluated: 2023-09-20. Review status: criteria provided, single submitter. Criteria: Invitae Variant Classification Sherloc (09022015). Collection method: clinical testing. Allele origin: germline.
Comment: Advanced modeling of protein sequence and biophysical properties (such as structural, functional, and spatial information, amino acid conservation, physicochemical variation, residue mobility, and thermodynamic stability) performed at Invitae indicates that this missense variant is not expected to disrupt AXIN2 protein function. In summary, the available evidence is currently insufficient to determine the role of this variant in disease. Therefore, it has been classified as a Variant of Uncertain Significance. ClinVar contains an entry for this variant (Variation ID: 2471135). This sequence change replaces proline, which is neutral and non-polar, with serine, which is neutral and polar, at codon 489 of the AXIN2 protein (p.Pro489Ser). This variant is present in population databases (rs764728243, gnomAD 0.006%). This variant has not been reported in the literature in individuals affected with AXIN2-related conditions.